The following is an entry in ClinVar:

NM_001042492.3(NF1):c.1746C>A (p.Cys582Ter)

Gene: NF1 (neurofibromin 1; plus strand). Cytogenetic location: 17q11.2.
Variant type: single nucleotide variant.
Coding change: c.1746C>A on transcript NM_001042492.3 (MANE Select); coding-DNA position 1746, C replaced by A.
Protein change: p.Cys582Ter; replaces cysteine 582 with a stop codon.
Molecular consequence: nonsense.
Genome position (GRCh38, 1-based): chr17:31,223,468, C>A. VCF-style: chr17-31223468-C-A. GRCh37 (hg19) VCF-style: chr17-29550486-C-A.
Other names: c.1746C>A, p.Cys582Ter (NM_000267.4); short protein forms C582*.
Identifiers: ClinVar variation 1452223 (VCV001452223.6), dbSNP rs2066962353, ClinGen allele CA399004089.

ClinVar aggregate classification (germline): Pathogenic (1 of 4 stars; one submission).

Conditions:
Neurofibromatosis, type 1 (NF1). Also called: NEUROFIBROMATOSIS, TYPE I, SOMATIC; VON RECKLINGHAUSEN DISEASE; Peripheral type neurofibromatosis; Neurofibromatosis, type I. Identifiers: Orphanet 636, MedGen C0027831, MONDO:0018975, OMIM 162200. Disease mechanism: loss of function.

Submission:

Labcorp Genetics (formerly Invitae), Labcorp
Classification: Pathogenic for Neurofibromatosis, type 1. Last evaluated: 2021-08-24. Review status: criteria provided, single submitter. Criteria: Invitae Variant Classification Sherloc (09022015). Collection method: clinical testing. Allele origin: germline.
Comment: This sequence change creates a premature translational stop signal (p.Cys582*) in the NF1 gene. It is expected to result in an absent or disrupted protein product. Loss-of-function variants in NF1 are known to be pathogenic (PMID: 10712197, 23913538). This variant is not present in population databases (ExAC no frequency). This variant has not been reported in the literature in individuals affected with NF1-related conditions. For these reasons, this variant has been classified as Pathogenic.

Literature cited by the submitters: PubMed 10712197; PubMed 23913538.